The following is an entry in ClinVar:

ClinVar aggregate classification (germline): Uncertain significance. Review status: criteria provided, multiple submitters, no conflicts (2 of 4 stars). 2 submissions from 2 submitters: Uncertain significance (2). Last evaluated 2026-07-01.

Conditions:
Hereditary cancer-predisposing syndrome. Also called: Hereditary Cancer Syndrome; Hereditary neoplastic syndrome; Neoplastic Syndromes, Hereditary; Tumor predisposition. Identifiers: Orphanet 140162, MedGen C0027672, MeSH D009386, MONDO:0015356.

Submissions (2):

Ambry Genetics
Classification: Uncertain significance for Hereditary cancer-predisposing syndrome. Last evaluated: 2026-07-01. Review status: criteria provided, single submitter. Criteria: Ambry Variant Classification Scheme 2023. Collection method: clinical testing. Allele origin: germline.
Comment: The p.T836I variant (also known as c.2507C>T), located in coding exon 21 of the TSC2 gene, results from a C to T substitution at nucleotide position 2507. The threonine at codon 836 is replaced by isoleucine, an amino acid with similar properties. This amino acid position is highly conserved in available vertebrate species. In addition, this alteration is predicted to be deleterious by in silico analysis. Based on the available evidence, the clinical significance of this variant remains unclear.

GeneDx
Classification: Uncertain significance. Last evaluated: 2025-01-29. Review status: criteria provided, single submitter. Criteria: GeneDx Variant Classification Process June 2021. Collection method: clinical testing. Allele origin: germline. Affected: yes.
Comment: Not observed at significant frequency in large population cohorts (gnomAD); In silico analysis supports that this missense variant has a deleterious effect on protein structure/function; Has not been previously published as pathogenic or benign to our knowledge

NM_000548.5(TSC2):c.2507C>T (p.Thr836Ile)

Gene: TSC2 (TSC complex subunit 2; plus strand). Cytogenetic location: 16p13.3.
Variant type: single nucleotide variant.
Coding change: c.2507C>T on transcript NM_000548.5 (MANE Select); coding-DNA position 2507, C replaced by T.
Protein change: p.Thr836Ile; replaces threonine 836 with isoleucine.
Molecular consequence: missense variant.
Genome position (GRCh38, 1-based): chr16:2,074,351, C>T. VCF-style: chr16-2074351-C-T. GRCh37 (hg19) VCF-style: chr16-2124352-C-T.
Other names: c.2507C>T, p.Thr836Ile (NM_001077183.3, NM_001114382.3, NM_001363528.2 and 6 more transcripts); c.2396C>T, p.Thr799Ile (NM_001318827.2, NM_001406670.1, NM_001406678.1); c.2360C>T, p.Thr787Ile (NM_001318829.2, NM_001406675.1, NM_001406676.1 and 1 more transcripts); c.1907C>T, p.Thr636Ile (NM_001318831.2, NM_001406680.1, NM_001406682.1 and 6 more transcripts); c.2540C>T, p.Thr847Ile (NM_001318832.2); c.2597C>T, p.Thr866Ile (NM_001406667.1, NM_001406668.1); c.2495C>T, p.Thr832Ile (NM_001406671.1, NM_001406673.1); c.2450C>T, p.Thr817Ile (NM_001406677.1); and 3 more; short protein forms T636I, T799I, T836I, T388I, T787I, T847I, T302I, T682I.
Identifiers: ClinVar variation 1792326 (VCV001792326.4), dbSNP rs2088941589, ClinGen allele CA394277863.
Genomic context (GRCh38, chr16:2,074,351, plus strand): 5'-CTGACATCATCATCAAGGCGCTGCCTGTTCTGGTGGTGAAGCTCACGCACATCTCAGCCA[C>T]AGCCAGCATGGCCGTCCCACTGCTGGAGTTCCTGTCCAGTGAGTCCCCGCCCTGCCTGCG-3'
Protein context (NP_000539.2, residues 826-846): LVVKLTHISA[Thr836Ile]ASMAVPLLEF